The following is an entry in ClinVar:

ClinVar aggregate classification (germline): Uncertain significance. Review status: criteria provided, multiple submitters, no conflicts (2 of 4 stars). 2 submissions from 2 submitters: Uncertain significance (2). Last evaluated 2025-05-02.

Conditions:
Hereditary cancer-predisposing syndrome. Also called: Tumor predisposition; Neoplastic Syndromes, Hereditary; Hereditary neoplastic syndrome; Hereditary Cancer Syndrome. Identifiers: Orphanet 140162, MedGen C0027672, MeSH D009386, MONDO:0015356.

Submissions (2):

Ambry Genetics
Classification: Uncertain significance for Hereditary cancer-predisposing syndrome. Last evaluated: 2025-05-02. Review status: criteria provided, single submitter. Criteria: Ambry Variant Classification Scheme 2023. Collection method: clinical testing. Allele origin: germline.
Comment: The p.E1047D variant (also known as c.3141A>C), located in coding exon 23 of the MSH3 gene, results from an A to C substitution at nucleotide position 3141. The glutamic acid at codon 1047 is replaced by aspartic acid, an amino acid with highly similar properties. This amino acid position is conserved. In addition, this alteration is predicted to be tolerated by in silico analysis. Based on the available evidence, the clinical significance of this variant remains unclear.

GeneDx
Classification: Uncertain significance. Last evaluated: 2024-01-19. Review status: criteria provided, single submitter. Criteria: GeneDx Variant Classification Process June 2021. Collection method: clinical testing. Allele origin: germline. Affected: yes.
Comment: Not observed at significant frequency in large population cohorts (gnomAD); In silico analysis supports that this missense variant does not alter protein structure/function; Has not been previously published as pathogenic or benign to our knowledge

NM_002439.5(MSH3):c.3141A>C (p.Glu1047Asp)

Gene: MSH3 (mutS homolog 3; plus strand). Cytogenetic location: 5q14.1.
Variant type: single nucleotide variant.
Coding change: c.3141A>C on transcript NM_002439.5 (MANE Select); coding-DNA position 3141, A replaced by C.
Protein change: p.Glu1047Asp; replaces glutamic acid 1047 with aspartic acid.
Molecular consequence: missense variant.
Genome position (GRCh38, 1-based): chr5:80,873,126, A>C. VCF-style: chr5-80873126-A-C. GRCh37 (hg19) VCF-style: chr5-80168945-A-C.
Other names: c.3141A>C (NM_002439.3); short protein forms E1047D.
Identifiers: ClinVar variation 3368104 (VCV003368104.2).